The following is an entry in ClinVar:

NM_006384.4(CIB1):c.52-2A>G

Genes: CIB1 (calcium and integrin binding 1; minus strand), LOC130057907 (ATAC-STARR-seq lymphoblastoid silent region 6817; plus strand). Cytogenetic location: 15q26.1.
Variant type: single nucleotide variant.
Coding change: c.52-2A>G on transcript NM_006384.4 (MANE Select); the canonical splice acceptor site of the intron before coding-DNA position 52, A replaced by G.
Molecular consequence: splice acceptor variant.
Genome position (GRCh38, 1-based): chr15:90,233,705, T>C on the plus strand (A>G on the coding strand, the complement: CIB1 is on the minus strand). VCF-style: chr15-90233705-T-C. GRCh37 (hg19) VCF-style: chr15-90776937-T-C.
Other names: IVS1, A-G, -2; c.52-2A>G (NM_001277764.2).
Identifiers: ClinVar variation 599258 (VCV000599258.2), dbSNP rs1567069906, ClinGen allele CA393817185.

ClinVar aggregate classification (germline): Pathogenic. Review status: criteria provided, single submitter (1 of 4 stars). 2 submissions from 2 submitters: Pathogenic (1). 1 of the submissions does not count toward it. Last evaluated 2025-03-23.

Conditions:
Epidermodysplasia verruciformis, susceptibility to, 3. Also called: Epidermodysplasia verruciformis 3. Identifiers: MedGen C4748876, MONDO:0032644, OMIM 618267.

Submissions (2):

Labcorp Genetics (formerly Invitae), Labcorp
Classification: Pathogenic. Last evaluated: 2025-03-23. Review status: criteria provided, single submitter. Criteria: Invitae Variant Classification Sherloc (09022015). Collection method: clinical testing. Allele origin: germline.
Comment: This sequence change affects an acceptor splice site in intron 1 of the CIB1 gene. It is expected to disrupt RNA splicing. Variants that disrupt the donor or acceptor splice site typically lead to a loss of protein function (PMID: 16199547), and loss-of-function variants in CIB1 are known to be pathogenic (PMID: 30068544). This variant is not present in population databases (gnomAD no frequency). Disruption of this splice site has been observed in individual(s) with epidermodysplasia verruciformis (PMID: 30068544, 30503243). It has also been observed to segregate with disease in related individuals. ClinVar contains an entry for this variant (Variation ID: 599258). Studies have shown that disruption of this splice site alters CIB1 gene expression (PMID: 30068544). Studies have shown that disruption of this splice site is associated with altered splicing resulting in multiple RNA products (PMID: 30503243). For these reasons, this variant has been classified as Pathogenic.

OMIM
Classification: risk factor for EPIDERMODYSPLASIA VERRUCIFORMIS, SUSCEPTIBILITY TO, 3. Last evaluated: 2019-02-01. Review status: no assertion criteria provided. Collection method: literature only. Allele origin: germline. Not counted in ClinVar's aggregate classification.

Literature cited by the submitters: PubMed 16199547 (cited by Labcorp Genetics (formerly Invitae), Labcorp); PubMed 30068544 (cited by Labcorp Genetics (formerly Invitae), Labcorp and OMIM); PubMed 30503243 (cited by Labcorp Genetics (formerly Invitae), Labcorp).